The following is an entry in ClinVar:

ClinVar aggregate classification (germline): Uncertain significance. Review status: criteria provided, multiple submitters, no conflicts (2 of 4 stars). 2 submissions from 2 submitters: Uncertain significance (2). Last evaluated 2025-09-01.

Conditions:
Inborn genetic diseases. Identifiers: MedGen C0950123, MeSH D030342.

Allele frequency attached by ClinVar (database versions not stated): TOPMed 0.00005; gnomAD 0.00022; gnomAD exomes 0.00030; ExAC 0.00079; 1000 Genomes Project 0.00180; 1000 Genomes Project 30x 0.00187.
gnomAD v4.1: 469 of 1,614,086 alleles (0.029%); highest among the groups gnomAD compares: South Asian, 0.5%; no homozygotes.

Submissions (2):

CeGaT Center for Human Genetics Tuebingen
Classification: Uncertain significance. Last evaluated: 2025-09-01. Review status: criteria provided, single submitter. Criteria: CeGaT Center For Human Genetics Tuebingen Variant Classification Criteria Version 2. Collection method: clinical testing. Allele origin: germline. Affected: yes. Observed: 1 variant allele.
Comment: FLG: PM2, BP4

Ambry Genetics
Classification: Uncertain significance for Inborn genetic diseases. Last evaluated: 2023-08-14. Review status: criteria provided, single submitter. Criteria: Ambry Variant Classification Scheme 2023. Collection method: clinical testing. Allele origin: germline.

NM_002016.2(FLG):c.2936G>C (p.Arg979Thr)

Genes: CCDST (cervical cancer associated DHX9 suppressive transcript; plus strand), FLG (filaggrin; minus strand). Cytogenetic location: 1q21.3.
Variant type: single nucleotide variant.
Coding change: c.2936G>C on transcript NM_002016.2 (MANE Select); coding-DNA position 2936, G replaced by C.
Protein change: p.Arg979Thr; replaces arginine 979 with threonine.
Molecular consequence: missense variant.
Genome position (GRCh38, 1-based): chr1:152,311,950, C>G on the plus strand (G>C on the coding strand, the complement: FLG is on the minus strand). VCF-style: chr1-152311950-C-G. GRCh37 (hg19) VCF-style: chr1-152284426-C-G.
Other names: short protein forms R979T.
Identifiers: ClinVar variation 2588693 (VCV002588693.9), dbSNP rs555800729, ClinGen allele CA1106912.